The following is an entry in ClinVar:

ClinVar aggregate classification (germline): Benign (0 of 4 stars; one submission).

Conditions:
SLC5A9-related disorder. Also called: SLC5A9-related condition.

Allele frequency attached by ClinVar (database versions not stated): ESP Exome Variant Server 0.00792; gnomAD 0.01894; ExAC 0.03059; 1000 Genomes Project 30x 0.05169; 1000 Genomes Project 0.05272.

Submission:

PreventionGenetics, part of Exact Sciences
Classification: Benign for SLC5A9-related condition. Last evaluated: 2019-02-28. Review status: no assertion criteria provided. Collection method: clinical testing. Allele origin: germline.
Comment: This variant is classified as benign based on ACMG/AMP sequence variant interpretation guidelines (Richards et al. 2015 PMID: 25741868, with internal and published modifications).

NM_001011547.3(SLC5A9):c.855C>T (p.Phe285=)

Gene: SLC5A9 (solute carrier family 5 member 9; plus strand). Cytogenetic location: 1p33.
Variant type: single nucleotide variant.
Coding change: c.855C>T on transcript NM_001011547.3 (MANE Select); coding-DNA position 855, C replaced by T.
Protein change: p.Phe285=; no amino-acid change (phenylalanine 285 retained).
Molecular consequence: synonymous variant.
Genome position (GRCh38, 1-based): chr1:48,232,109, C>T. VCF-style: chr1-48232109-C-T. GRCh37 (hg19) VCF-style: chr1-48697781-C-T.
Other names: c.930C>T, p.Phe310= (NM_001135181.2).
Identifiers: ClinVar variation 3056846 (VCV003056846.2), dbSNP rs12161316, ClinGen allele CA843695.